The following is an entry in ClinVar:

NM_014415.4(ZBTB11):c.271C>T (p.Gln91Ter)

Genes: ZBTB11 (zinc finger and BTB domain containing 11; minus strand), ZBTB11-AS1 (ZBTB11 antisense RNA 1; plus strand). Cytogenetic location: 3q12.3.
Variant type: single nucleotide variant.
Coding change: c.271C>T on transcript NM_014415.4 (MANE Select); coding-DNA position 271, C replaced by T.
Protein change: p.Gln91Ter; replaces glutamine 91 with a stop codon.
Molecular consequence: nonsense. On other transcripts: non-coding transcript variant (1).
Genome position (GRCh38, 1-based): chr3:101,676,644, G>A on the plus strand (C>T on the coding strand, the complement: ZBTB11 is on the minus strand). VCF-style: chr3-101676644-G-A. GRCh37 (hg19) VCF-style: chr3-101395488-G-A.
Other names: short protein forms Q91*.
Identifiers: ClinVar variation 1700846 (VCV001700846.2), dbSNP rs2108331450, ClinGen allele CA353884603.

ClinVar aggregate classification (germline): Uncertain significance (1 of 4 stars; one submission).

Submission:

GeneDx
Classification: Uncertain significance. Last evaluated: 2022-02-15. Review status: criteria provided, single submitter. Criteria: GeneDx Variant Classification Process June 2021. Collection method: clinical testing. Allele origin: germline. Affected: yes.
Comment: Not observed at significant frequency in large population cohorts (gnomAD); Nonsense variant predicted to result in protein truncation or nonsense mediated decay in a gene for which loss-of-function is not a known mechanism of disease; Has not been previously published as pathogenic or benign to our knowledge